The following is an entry in ClinVar:

ClinVar aggregate classification (germline): Uncertain significance (1 of 4 stars; one submission).

gnomAD v4.1: 12 of 1,525,986 alleles (0.00079%); highest among the groups gnomAD compares: East Asian, 0.0045%; 2 homozygotes.

Submission:

Women's Health and Genetics/Laboratory Corporation of America, LabCorp
Classification: Uncertain significance. Last evaluated: 2025-04-02. Review status: criteria provided, single submitter. Criteria: LabCorp Variant Classification Summary - May 2015. Collection method: clinical testing. Allele origin: germline.
Comment: Variant summary: CFHR3 c.958C>T (p.Arg320Trp) results in a non-conservative amino acid change in the encoded protein sequence. Four of five in-silico tools predict a benign effect of the variant on protein function. The variant allele was found at a frequency of 4.2e-06 in 238536 control chromosomes. The available data on variant occurrences in the general population are insufficient to allow any conclusion about variant significance. To our knowledge, no occurrence of c.958C>T in individuals affected with Genetic Atypical Hemolytic Uremic Syndrome and no experimental evidence demonstrating its impact on protein function have been reported. No submitters have cited clinical-significance assessments for this variant to ClinVar. Based on the evidence outlined above, the variant was classified as uncertain significance.

NM_021023.6(CFHR3):c.958C>T (p.Arg320Trp)

Gene: CFHR3 (complement factor H related 3; plus strand). Cytogenetic location: 1q31.3.
Variant type: single nucleotide variant.
Coding change: c.958C>T on transcript NM_021023.6 (MANE Select); coding-DNA position 958, C replaced by T.
Protein change: p.Arg320Trp; replaces arginine 320 with tryptophan.
Molecular consequence: missense variant.
Genome position (GRCh38, 1-based): chr1:196,793,478, C>T. VCF-style: chr1-196793478-C-T. GRCh37 (hg19) VCF-style: chr1-196762608-C-T.
Other names: c.775C>T, p.Arg259Trp (NM_001166624.2); short protein forms R259W, R320W.
Identifiers: ClinVar variation 3896541 (VCV003896541.2).